The following is an entry in ClinVar:

ClinVar aggregate classification (germline): Pathogenic (1 of 4 stars; one submission).

Conditions:
Ehlers-Danlos syndrome, classic type, 1 (EDSCL1). Also called: EHLERS-DANLOS SYNDROME, GRAVIS TYPE; EHLERS-DANLOS SYNDROME, SEVERE CLASSIC TYPE; Ehlers-Danlos Syndrome, Classic Type, COL5A1-Related; EDS I; Ehlers-Danlos syndrome, type 1. Identifiers: MedGen C0268335, MONDO:0019567, OMIM 130000.

Submission:

Labcorp Genetics (formerly Invitae), Labcorp
Classification: Pathogenic for Ehlers-Danlos syndrome, classic type, 1. Last evaluated: 2016-09-20. Review status: criteria provided, single submitter. Criteria: Invitae Variant Classification Sherloc (09022015). Collection method: clinical testing. Allele origin: germline.
Comment: For these reasons, this variant has been classified as Pathogenic. While this particular variant has not been reported in the literature, loss-of-function variants in COL5A1 are known to be pathogenic (PMID: 23587214). This sequence change creates a premature translational stop signal at codon 715 (p.Gly715*) of the COL5A1 gene. It is expected to result in an absent or disrupted protein product.

Literature cited by the submitters: PubMed 23587214.

NM_000093.5(COL5A1):c.2143G>T (p.Gly715Ter)

Gene: COL5A1 (collagen type V alpha 1 chain; plus strand). Cytogenetic location: 9q34.3.
Variant type: single nucleotide variant.
Coding change: c.2143G>T on transcript NM_000093.5 (MANE Select); coding-DNA position 2143, G replaced by T.
Protein change: p.Gly715Ter; replaces glycine 715 with a stop codon.
Molecular consequence: nonsense.
Genome position (GRCh38, 1-based): chr9:134,767,009, G>T. VCF-style: chr9-134767009-G-T. GRCh37 (hg19) VCF-style: chr9-137658855-G-T.
Other names: c.2143G>T, p.Gly715Ter (NM_001278074.1); short protein forms G715*.
Identifiers: ClinVar variation 409113 (VCV000409113.8), dbSNP rs1060502258, ClinGen allele CA16612612.